The following is an entry in ClinVar:

NM_001035.3(RYR2):c.11245+6G>A

Gene: RYR2 (ryanodine receptor 2; plus strand). Cytogenetic location: 1q43.
Variant type: single nucleotide variant.
Coding change: c.11245+6G>A on transcript NM_001035.3 (MANE Select); 6 bases into the intron after coding-DNA position 11245, G replaced by A.
Molecular consequence: intron variant.
Genome position (GRCh38, 1-based): chr1:237,756,393, G>A. VCF-style: chr1-237756393-G-A. GRCh37 (hg19) VCF-style: chr1-237919693-G-A.
Identifiers: ClinVar variation 926268 (VCV000926268.4), dbSNP rs1366481570, ClinGen allele CA529550854.

ClinVar aggregate classification (germline): Conflicting classifications of pathogenicity. Review status: criteria provided, conflicting classifications (1 of 4 stars). 3 submissions from 3 submitters: Uncertain significance (1); Likely benign (2). Last evaluated 2025-11-25.

Conditions:
Cardiomyopathy (CMYO). Also called: Cardiomyopathies. Identifiers: Orphanet 167848, MedGen C0878544, MONDO:0004994, HP:0001638. Inheritance: Various modes of inheritance.
Catecholaminergic polymorphic ventricular tachycardia 1. Also called: VENTRICULAR TACHYCARDIA, CATECHOLAMINERGIC POLYMORPHIC, 1, WITH OR WITHOUT ATRIAL DYSFUNCTION AND/OR DILATED CARDIOMYOPATHY; VENTRICULAR TACHYCARDIA, STRESS-INDUCED POLYMORPHIC 1; RYR2-Related Catecholaminergic Polymorphic Ventricular Tachycardia. Identifiers: Orphanet 3286, MedGen C1631597, MONDO:0011484, OMIM 604772.
Catecholaminergic polymorphic ventricular tachycardia (CVPT). Also called: Catecholamine-induced polymorphic ventricular tachycardia. Identifiers: Orphanet 3286, MedGen C5574922, MONDO:0017990.

Allele frequency attached by ClinVar (database versions not stated): gnomAD exomes below 0.00001; TOPMed 0.00002; gnomAD 0.00003.
gnomAD v4.1: 6 of 1,580,454 alleles (0.00038%); highest among the groups gnomAD compares: African/African-American, 0.0068%; no homozygotes.

Submissions (3):

Labcorp Genetics (formerly Invitae), Labcorp
Classification: Uncertain significance for Catecholaminergic polymorphic ventricular tachycardia 1. Last evaluated: 2025-11-25. Review status: criteria provided, single submitter. Criteria: Invitae Variant Classification Sherloc (09022015). Collection method: clinical testing. Allele origin: germline.
Comment: This sequence change falls in intron 81 of the RYR2 gene. It does not directly change the encoded amino acid sequence of the RYR2 protein. It affects a nucleotide within the consensus splice site. This variant is present in population databases (no rsID available, gnomAD 0.003%). This variant has not been reported in the literature in individuals affected with RYR2-related conditions. ClinVar contains an entry for this variant (Variation ID: 926268). Variants that disrupt the consensus splice site are a relatively common cause of aberrant splicing (PMID: 17576681, 9536098). Algorithms developed to predict the effect of sequence changes on RNA splicing suggest that this variant is not likely to affect RNA splicing. In summary, the available evidence is currently insufficient to determine the role of this variant in disease. Therefore, it has been classified as a Variant of Uncertain Significance.

All of Us Research Program, National Institutes of Health
Classification: Likely benign for Catecholaminergic polymorphic ventricular tachycardia. Last evaluated: 2023-12-18. Review status: criteria provided, single submitter. Criteria: ACMG Guidelines, 2015. Collection method: clinical testing. Allele origin: germline. Inheritance: Autosomal dominant inheritance. Observed: 2 variant alleles, 2 heterozygotes.
Comment: This study involves interpretation of variants in research participants for the purpose of population health screening. Participant phenotype was not available at the time of variant classification. Additional details can be found in publication PMID: 35346344, PMCID: PMC8962531

Color Diagnostics, LLC DBA Color Health
Classification: Likely benign for Cardiomyopathy. Last evaluated: 2019-04-15. Review status: criteria provided, single submitter. Criteria: ACMG Guidelines, 2015. Collection method: clinical testing. Allele origin: germline.

Literature cited by the submitters: PubMed 17576681 (cited by Labcorp Genetics (formerly Invitae), Labcorp); PubMed 9536098 (cited by Labcorp Genetics (formerly Invitae), Labcorp).